The following is an entry in ClinVar:

NM_032888.4(COL27A1):c.3747C>T (p.Gly1249=)

Gene: COL27A1 (collagen type XXVII alpha 1 chain; plus strand). Cytogenetic location: 9q32.
Variant type: single nucleotide variant.
Coding change: c.3747C>T on transcript NM_032888.4 (MANE Select); coding-DNA position 3747, C replaced by T.
Protein change: p.Gly1249=; no amino-acid change (glycine 1249 retained).
Molecular consequence: synonymous variant.
Genome position (GRCh38, 1-based): chr9:114,282,306, C>T. VCF-style: chr9-114282306-C-T. GRCh37 (hg19) VCF-style: chr9-117044586-C-T.
Identifiers: ClinVar variation 740192 (VCV000740192.15), dbSNP rs200162485, ClinGen allele CA5202589.

ClinVar aggregate classification (germline): Benign. Review status: criteria provided, multiple submitters, no conflicts (2 of 4 stars). 4 submissions from 4 submitters: Benign (3). 1 of the submissions does not count toward it. Last evaluated 2026-01-22.

Conditions:
COL27A1-related disorder. Also called: COL27A1-related condition.

Allele frequency attached by ClinVar (database versions not stated): ESP Exome Variant Server 0.00008; gnomAD 0.00009 and 0.00038; TOPMed 0.00017; 1000 Genomes Project 0.00140; ExAC 0.00143; 1000 Genomes Project 30x 0.00156.
gnomAD v4.1: 1,095 of 1,613,956 alleles (0.068%); highest among the groups gnomAD compares: South Asian, 1.1%; 13 homozygotes.

Submissions (4):

Labcorp Genetics (formerly Invitae), Labcorp
Classification: Benign. Last evaluated: 2026-01-22. Review status: criteria provided, single submitter. Criteria: Invitae Variant Classification Sherloc (09022015). Collection method: clinical testing. Allele origin: germline.

Blueprint Genetics
Classification: Benign. Last evaluated: 2024-10-08. Review status: criteria provided, single submitter. Criteria: ACMG Guidelines, 2015. Collection method: clinical testing. Allele origin: germline.

Breakthrough Genomics
Classification: Benign. Review status: criteria provided, single submitter. Criteria: ACMG Guidelines, 2015. Collection method: not provided. Allele origin: germline. Inheritance: Autosomal recessive inheritance. Affected: yes.

PreventionGenetics, part of Exact Sciences
Classification: Benign for COL27A1-related condition. Last evaluated: 2019-10-31. Review status: no assertion criteria provided. Collection method: clinical testing. Allele origin: germline. Not counted in ClinVar's aggregate classification.
Comment: This variant is classified as benign based on ACMG/AMP sequence variant interpretation guidelines (Richards et al. 2015 PMID: 25741868, with internal and published modifications).